The following is an entry in ClinVar:

ClinVar aggregate classification (germline): Benign. Review status: criteria provided, multiple submitters, no conflicts (2 of 4 stars). 3 submissions from 3 submitters: Benign (3). Last evaluated 2026-02-04.

Allele frequency attached by ClinVar (database versions not stated): gnomAD exomes 0.00149 and 0.00340; ExAC 0.00408; gnomAD 0.01224 and 0.01306; ESP Exome Variant Server 0.01244; 1000 Genomes Project 0.01338; 1000 Genomes Project 30x 0.01359; TOPMed 0.01409.
gnomAD v4.1: 4,170 of 1,608,268 alleles (0.26%); highest among the groups gnomAD compares: African/African-American, 4.3%; 70 homozygotes.

Submissions (7):

Labcorp Genetics (formerly Invitae), Labcorp
Classification: Benign. Last evaluated: 2026-02-04. Review status: criteria provided, single submitter. Criteria: Invitae Variant Classification Sherloc (09022015). Collection method: clinical testing. Allele origin: germline.

GeneDx
Classification: Benign. Last evaluated: 2014-05-05. Review status: criteria provided, single submitter. Criteria: GeneDx Variant Classification (06012015). Collection method: clinical testing. Allele origin: germline. Affected: yes.
Comment: This variant is considered likely benign or benign based on one or more of the following criteria: it is a conservative change, it occurs at a poorly conserved position in the protein, it is predicted to be benign by multiple in silico algorithms, and/or has population frequency not consistent with disease.

Breakthrough Genomics
Classification: Benign. Review status: criteria provided, single submitter. Criteria: ACMG Guidelines, 2015. Collection method: not provided. Allele origin: germline. Inheritance: Autosomal recessive inheritance. Affected: yes.

Dr. Peter K. Rogan Lab, Western University
No classification provided (evidence only). Condition: Lung cancer. Review status: no classification provided. Collection method: in vitro. Allele origin: not applicable. Functional consequence: retained intron. Not counted in ClinVar's aggregate classification.

Dr. Peter K. Rogan Lab, Western University
No classification provided (evidence only). Condition: Uterine corpus endometrial carcinoma. Review status: no classification provided. Collection method: in vitro. Allele origin: not applicable. Functional consequence: retained intron. Not counted in ClinVar's aggregate classification.

Dr. Peter K. Rogan Lab, Western University
No classification provided (evidence only). Condition: Thymoma. Review status: no classification provided. Collection method: in vitro. Allele origin: not applicable. Functional consequence: retained intron. Not counted in ClinVar's aggregate classification.

Dr. Peter K. Rogan Lab, Western University
No classification provided (evidence only). Condition: Gastric cancer. Review status: no classification provided. Collection method: in vitro. Allele origin: not applicable. Functional consequence: retained intron. Not counted in ClinVar's aggregate classification.

NM_000260.4(MYO7A):c.5043+20C>T

Gene: MYO7A (myosin VIIA; plus strand). Cytogenetic location: 11q13.5.
Variant type: single nucleotide variant.
Coding change: c.5043+20C>T on transcript NM_000260.4 (MANE Select); 20 bases into the intron after coding-DNA position 5043, C replaced by T.
Molecular consequence: intron variant.
Genome position (GRCh38, 1-based): chr11:77,201,658, C>T. VCF-style: chr11-77201658-C-T. GRCh37 (hg19) VCF-style: chr11-76912703-C-T.
Other names: c.4896+20C>T (NM_001369365.1); c.4929+20C>T (NM_001127180.2).
Identifiers: ClinVar variation 138407 (VCV000138407.12), dbSNP rs112969118, ClinGen allele CA292404.